The following is an entry in ClinVar:

ClinVar aggregate classification (germline): Uncertain significance (1 of 4 stars; one submission).

Submission:

GeneDx
Classification: Uncertain significance. Last evaluated: 2025-01-15. Review status: criteria provided, single submitter. Criteria: GeneDx Variant Classification Process June 2021. Collection method: clinical testing. Allele origin: germline. Affected: yes.
Comment: Not observed at significant frequency in large population cohorts (gnomAD); In silico analysis supports that this missense variant has a deleterious effect on protein structure/function; Has not been previously published as pathogenic or benign to our knowledge

NM_004115.4(FGF14):c.259C>A (p.Pro87Thr)

Gene: FGF14 (fibroblast growth factor 14; minus strand). Cytogenetic location: 13q33.1.
Variant type: single nucleotide variant.
Coding change: c.259C>A on transcript NM_004115.4 (MANE Select); coding-DNA position 259, C replaced by A.
Protein change: p.Pro87Thr; replaces proline 87 with threonine.
Molecular consequence: missense variant. On other transcripts: intron variant (1).
Genome position (GRCh38, 1-based): chr13:101,875,231, G>T on the plus strand (C>A on the coding strand, the complement: FGF14 is on the minus strand). VCF-style: chr13-101875231-G-T. GRCh37 (hg19) VCF-style: chr13-102527581-G-T.
Other names: c.7C>A, p.Pro3Thr (NM_001321931.1, NM_001321934.1, NM_001321935.1 and 4 more transcripts); c.70C>A, p.Pro24Thr (NM_001321932.1, NM_001321936.1, NM_001321944.1); c.79C>A, p.Pro27Thr (NM_001321933.1, NM_001321938.2, NM_001321940.1); c.274C>A, p.Pro92Thr (NM_001321937.2, NM_175929.3); c.73C>A, p.Pro25Thr (NM_001321941.2); c.157C>A, p.Pro53Thr (NM_001321945.2, NM_001321948.2, NM_001379342.1); c.118C>A, p.Pro40Thr (NM_001321947.2); c.209-6403C>A (NM_001321939.2); short protein forms P24T, P25T, P27T, P3T, P40T, P53T, P87T, P92T.
Identifiers: ClinVar variation 4070815 (VCV004070815.1).